The following is an entry in ClinVar:

NM_005431.2(XRCC2):c.829G>T (p.Val277Phe)

Gene: XRCC2 (X-ray repair cross complementing 2; minus strand). Cytogenetic location: 7q36.1.
Variant type: single nucleotide variant.
Coding change: c.829G>T on transcript NM_005431.2 (MANE Select); coding-DNA position 829, G replaced by T.
Protein change: p.Val277Phe; replaces valine 277 with phenylalanine.
Molecular consequence: missense variant.
Genome position (GRCh38, 1-based): chr7:152,648,656, C>A on the plus strand (G>T on the coding strand, the complement: XRCC2 is on the minus strand). VCF-style: chr7-152648656-C-A. GRCh37 (hg19) VCF-style: chr7-152345741-C-A.
Other names: c.829G>T (NM_005431.1); short protein forms V277F.
Identifiers: ClinVar variation 1720248 (VCV001720248.6), dbSNP rs745877163, ClinGen allele CA370197846.
Genomic context (GRCh38, chr7:152,648,656, plus strand): 5'-TTAAGGCTTGCGTAGTACCCTGCAAAAGACTATTTTATGATGTATATCAACAAAATTCAA[C>A]CCCACTTTCTCCAATAATAAAAAAATGTTTTTTTAAACTGTTACTTTTTAAACAACGTGA-3'
Protein context (NP_005422.1, residues 267-280): KHFFIIGESG[Val277Phe]EFC

ClinVar aggregate classification (germline): Uncertain significance. Review status: criteria provided, multiple submitters, no conflicts (2 of 4 stars). 2 submissions from 2 submitters: Uncertain significance (2). Last evaluated 2024-06-09.

Conditions:
Hereditary cancer-predisposing syndrome. Also called: Hereditary neoplastic syndrome; Neoplastic Syndromes, Hereditary; Hereditary Cancer Syndrome; Tumor predisposition. Identifiers: Orphanet 140162, MedGen C0027672, MeSH D009386, MONDO:0015356.

gnomAD v4.1: 1 of 1,600,456 alleles (0.000062%); highest among the groups gnomAD compares: East Asian, 0.0022%; no homozygotes.

Submissions (2):

Ambry Genetics
Classification: Uncertain significance for Hereditary cancer-predisposing syndrome. Last evaluated: 2024-06-09. Review status: criteria provided, single submitter. Criteria: Ambry Variant Classification Scheme 2023. Collection method: clinical testing. Allele origin: germline.
Comment: The p.V277F variant (also known as c.829G>T), located in coding exon 3 of the XRCC2 gene, results from a G to T substitution at nucleotide position 829. The valine at codon 277 is replaced by phenylalanine, an amino acid with highly similar properties. This amino acid position is conserved. In addition, the in silico prediction for this alteration is inconclusive. Based on the available evidence, the clinical significance of this variant remains unclear.

Labcorp Genetics (formerly Invitae), Labcorp
Classification: Uncertain significance. Last evaluated: 2022-07-14. Review status: criteria provided, single submitter. Criteria: Invitae Variant Classification Sherloc (09022015). Collection method: clinical testing. Allele origin: germline.
Comment: This sequence change replaces valine, which is neutral and non-polar, with phenylalanine, which is neutral and non-polar, at codon 277 of the XRCC2 protein (p.Val277Phe). The frequency data for this variant in the population databases is considered unreliable, as metrics indicate poor data quality at this position in the gnomAD database. This variant has not been reported in the literature in individuals affected with XRCC2-related conditions. Algorithms developed to predict the effect of missense changes on protein structure and function are either unavailable or do not agree on the potential impact of this missense change (SIFT: "Deleterious"; PolyPhen-2: "Possibly Damaging"; Align-GVGD: "Class C0"). In summary, the available evidence is currently insufficient to determine the role of this variant in disease. Therefore, it has been classified as a Variant of Uncertain Significance.